The following is an entry in ClinVar:

ClinVar aggregate classification (germline): Likely benign. Review status: reviewed by expert panel (3 of 4 stars). 4 submissions from 4 submitters: Likely benign (1). 3 of the submissions do not count toward it. Last evaluated 2017-06-29.

Conditions:
Hereditary cancer-predisposing syndrome. Also called: Hereditary Cancer Syndrome; Neoplastic Syndromes, Hereditary; Tumor predisposition; Hereditary neoplastic syndrome. Identifiers: Orphanet 140162, MedGen C0027672, MeSH D009386, MONDO:0015356.
Breast-ovarian cancer, familial, susceptibility to, 2 (BROVCA2). Also called: BRCA2 Hereditary Breast and Ovarian Cancer. Identifiers: Orphanet 145, MedGen C2675520, MONDO:0012933, OMIM 612555. Disease mechanism: loss of function.
Hereditary breast ovarian cancer syndrome. Also called: Hereditary breast and/or ovarian cancer syndrome; BRCA1- and BRCA2-Associated Hereditary Breast and Ovarian Cancer; Hereditary breast and ovarian cancer syndrome (HBOC); Hereditary breast and ovarian cancer; Hereditary breast and ovarian cancer syndrome; Breast and ovarian cancer. Identifiers: Orphanet 145, MedGen C0677776, MeSH D061325, MONDO:0003582. Disease mechanism: loss of function.

Allele frequency attached by ClinVar (database versions not stated): gnomAD exomes below 0.00001; ExAC 0.00001; TOPMed 0.00001; gnomAD 0.00002; ESP Exome Variant Server 0.00008.

Submissions (4):

Evidence-based Network for the Interpretation of Germline Mutant Alleles (ENIGMA)
Classification: Likely benign for Breast-ovarian cancer, familial, susceptibility to, 2. Last evaluated: 2017-06-29. Review status: reviewed by expert panel. Criteria: ENIGMA BRCA1/2 Classification Criteria (2017-06-29). Collection method: curation. Allele origin: germline.
Comment: Synonymous substitution variant, with low bioinformatic likelihood to result in a splicing aberration (Splicing prior probability 0.02).

Labcorp Genetics (formerly Invitae), Labcorp
Classification: Likely benign for Hereditary breast ovarian cancer syndrome. Last evaluated: 2025-10-06. Review status: criteria provided, single submitter. Criteria: Invitae Variant Classification Sherloc (09022015). Collection method: clinical testing. Allele origin: germline. Not counted in ClinVar's aggregate classification.

Quest Diagnostics Nichols Institute San Juan Capistrano
Classification: Likely benign. Last evaluated: 2019-10-09. Review status: criteria provided, single submitter. Criteria: Quest Diagnostics criteria. Collection method: clinical testing. Allele origin: unknown. Not counted in ClinVar's aggregate classification.

Ambry Genetics
Classification: Likely benign for Hereditary cancer-predisposing syndrome. Last evaluated: 2015-07-21. Review status: criteria provided, single submitter. Criteria: Ambry Variant Classification Scheme 2023. Collection method: clinical testing. Allele origin: germline. Not counted in ClinVar's aggregate classification.

NM_000059.4(BRCA2):c.3120T>A (p.Thr1040=)

Gene: BRCA2 (BRCA2 DNA repair associated; plus strand). Cytogenetic location: 13q13.1.
Variant type: single nucleotide variant.
Coding change: c.3120T>A on transcript NM_000059.4 (MANE Select); coding-DNA position 3120, T replaced by A.
Protein change: p.Thr1040=; no amino-acid change (threonine 1040 retained).
Molecular consequence: synonymous variant.
Genome position (GRCh38, 1-based): chr13:32,337,475, T>A. VCF-style: chr13-32337475-T-A. GRCh37 (hg19) VCF-style: chr13-32911612-T-A.
Identifiers: ClinVar variation 233064 (VCV000233064.16), dbSNP rs150534625, ClinGen allele CA6940669.